The following is an entry in ClinVar:

NM_000047.3(ARSL):c.1351G>C (p.Glu451Gln)

Gene: ARSL (arylsulfatase L; minus strand). Cytogenetic location: Xp22.33.
Variant type: single nucleotide variant.
Coding change: c.1351G>C on transcript NM_000047.3 (MANE Select); coding-DNA position 1351, G replaced by C.
Protein change: p.Glu451Gln; replaces glutamic acid 451 with glutamine.
Molecular consequence: missense variant.
Genome position (GRCh38, 1-based): chrX:2,936,802, C>G on the plus strand (G>C on the coding strand, the complement: ARSL is on the minus strand). VCF-style: chrX-2936802-C-G. GRCh37 (hg19) VCF-style: chrX-2854843-C-G.
Other names: c.1426G>C, p.Glu476Gln (NM_001282628.2, NM_001369080.1); c.1189G>C, p.Glu397Gln (NM_001282631.2); c.1378G>C, p.Glu460Gln (NM_001369079.1); short protein forms E397Q, E460Q, E476Q, E451Q.
Identifiers: ClinVar variation 3949634 (VCV003949634.2).

ClinVar aggregate classification (germline): Uncertain significance. Review status: criteria provided, multiple submitters, no conflicts (2 of 4 stars). 2 submissions from 2 submitters: Uncertain significance (2). Last evaluated 2026-01-27.

Conditions:
Inborn genetic diseases. Identifiers: MedGen C0950123, MeSH D030342.
Chondrodysplasia punctata, brachytelephalangic, autosomal. Also called: BRACHYTELEPHALANGIC CHONDRODYSPLASIA PUNCTATA. Identifiers: MedGen C1844853, MONDO:0011238, OMIM 602497.

gnomAD v4.1: 9 of 1,211,525 alleles (0.00074%); highest among the groups gnomAD compares: Non-Finnish European, 0.001%; no homozygotes.

Submissions (2):

Labcorp Genetics (formerly Invitae), Labcorp
Classification: Uncertain significance for Chondrodysplasia punctata, brachytelephalangic, autosomal. Last evaluated: 2026-01-27. Review status: criteria provided, single submitter. Criteria: Invitae Variant Classification Sherloc (09022015). Collection method: clinical testing. Allele origin: germline.
Comment: This sequence change replaces glutamic acid, which is acidic and polar, with glutamine, which is neutral and polar, at codon 451 of the ARSE protein (p.Glu451Gln). This variant is present in population databases (rs751814178, gnomAD 0.001%). This variant has not been reported in the literature in individuals affected with ARSE-related conditions. ClinVar contains an entry for this variant (Variation ID: 3949634). Invitae Evidence Modeling of protein sequence and biophysical properties (such as structural, functional, and spatial information, amino acid conservation, physicochemical variation, residue mobility, and thermodynamic stability) indicates that this missense variant is not expected to disrupt ARSE protein function with a negative predictive value of 80%. In summary, the available evidence is currently insufficient to determine the role of this variant in disease. Therefore, it has been classified as a Variant of Uncertain Significance.

Ambry Genetics
Classification: Uncertain significance for Inborn genetic diseases. Last evaluated: 2025-03-22. Review status: criteria provided, single submitter. Criteria: Ambry Variant Classification Scheme 2023. Collection method: clinical testing. Allele origin: germline.